The following is an entry in ClinVar:

NM_001042492.3(NF1):c.5675dup (p.Leu1892fs)

Gene: NF1 (neurofibromin 1; plus strand). Cytogenetic location: 17q11.2.
Variant type: Duplication.
Coding change: c.5675dup on transcript NM_001042492.3 (MANE Select); coding-DNA position 5675, one base duplicated (T; older notation c.5675dupT).
Protein change: p.Leu1892fs; shifts the reading frame from leucine 1892.
Molecular consequence: frameshift variant.
Genome position (GRCh38, 1-based): chr17:31,330,361, T duplicated; the last of 2 consecutive T bases (chr17:31,330,360-31,330,361); duplicating either gives the same sequence. VCF-style (leftmost placement, unchanged base first): chr17-31330359-G-GT. GRCh37 (hg19) VCF-style: chr17-29657377-G-GT.
Other names: c.5612dup, p.Leu1871Phefs (NM_000267.4); short protein forms L1871fs, L1892fs.
Identifiers: ClinVar variation 1993510 (VCV001993510.4), dbSNP rs2508718297, ClinGen allele CA2580093372.

ClinVar aggregate classification (germline): Pathogenic (1 of 4 stars; one submission).

Conditions:
Neurofibromatosis, type 1 (NF1). Also called: VON RECKLINGHAUSEN DISEASE; Peripheral type neurofibromatosis; Neurofibromatosis, type I; NEUROFIBROMATOSIS, TYPE I, SOMATIC. Identifiers: Orphanet 636, MedGen C0027831, MONDO:0018975, OMIM 162200. Disease mechanism: loss of function.

Submission:

Labcorp Genetics (formerly Invitae), Labcorp
Classification: Pathogenic for Neurofibromatosis, type 1. Last evaluated: 2024-04-29. Review status: criteria provided, single submitter. Criteria: Invitae Variant Classification Sherloc (09022015). Collection method: clinical testing. Allele origin: germline.
Comment: This sequence change creates a premature translational stop signal (p.Leu1871Phefs*21) in the NF1 gene. It is expected to result in an absent or disrupted protein product. Loss-of-function variants in NF1 are known to be pathogenic (PMID: 10712197, 23913538). This variant is not present in population databases (gnomAD no frequency). This variant has not been reported in the literature in individuals affected with NF1-related conditions. ClinVar contains an entry for this variant (Variation ID: 1993510). For these reasons, this variant has been classified as Pathogenic.

Literature cited by the submitters: PubMed 10712197; PubMed 23913538.